The following is an entry in ClinVar:

NM_001128840.3(CACNA1D):c.826C>G (p.Leu276Val)

Gene: CACNA1D (calcium voltage-gated channel subunit alpha1 D; plus strand). Cytogenetic location: 3p21.1.
Variant type: single nucleotide variant.
Coding change: c.826C>G on transcript NM_001128840.3 (MANE Select); coding-DNA position 826, C replaced by G.
Protein change: p.Leu276Val; replaces leucine 276 with valine.
Molecular consequence: missense variant.
Genome position (GRCh38, 1-based): chr3:53,665,719, C>G. VCF-style: chr3-53665719-C-G. GRCh37 (hg19) VCF-style: chr3-53699746-C-G.
Other names: c.826C>G, p.Leu276Val (NM_000720.4, NM_001128839.3); short protein forms L276V.
Identifiers: ClinVar variation 4715650 (VCV004715650.1).

ClinVar aggregate classification (germline): Uncertain significance (1 of 4 stars; one submission).

Submission:

Labcorp Genetics (formerly Invitae), Labcorp
Classification: Uncertain significance. Last evaluated: 2025-05-13. Review status: criteria provided, single submitter. Criteria: Invitae Variant Classification Sherloc (09022015). Collection method: clinical testing. Allele origin: germline.
Comment: This sequence change replaces leucine, which is neutral and non-polar, with valine, which is neutral and non-polar, at codon 276 of the CACNA1D protein (p.Leu276Val). This variant is not present in population databases (gnomAD no frequency). This variant has not been reported in the literature in individuals affected with CACNA1D-related conditions. Invitae Evidence Modeling of protein sequence and biophysical properties (such as structural, functional, and spatial information, amino acid conservation, physicochemical variation, residue mobility, and thermodynamic stability) indicates that this missense variant is not expected to disrupt CACNA1D protein function with a negative predictive value of 80%. In summary, the available evidence is currently insufficient to determine the role of this variant in disease. Therefore, it has been classified as a Variant of Uncertain Significance.